The following is an entry in ClinVar:

ClinVar aggregate classification (germline): Benign/Likely benign. Review status: criteria provided, multiple submitters, no conflicts (2 of 4 stars). 3 submissions from 3 submitters: Benign (1); Likely benign (2). Last evaluated 2026-01-20.

Conditions:
Combined immunodeficiency due to DOCK8 deficiency (HIES2). Also called: Hyper-IgE recurrent infection syndrome, autosomal recessive; HYPER-IgE RECURRENT INFECTION SYNDROME 2, AUTOSOMAL RECESSIVE; DOCK8 Deficiency; HIES autosomal recessive; HYPER-IgE SYNDROME 2, AUTOSOMAL RECESSIVE, WITH RECURRENT INFECTIONS. Identifiers: Orphanet 217390, MedGen C4722305, MONDO:0009478, OMIM 243700.

Allele frequency attached by ClinVar (database versions not stated): gnomAD 0.00005; gnomAD exomes 0.00002; TOPMed 0.00003; ExAC 0.00004.
gnomAD v4.1: 40 of 1,613,748 alleles (0.0025%); highest among the groups gnomAD compares: Admixed American, 0.0067%; no homozygotes.

Submissions (3):

Labcorp Genetics (formerly Invitae), Labcorp
Classification: Likely benign for Combined immunodeficiency due to DOCK8 deficiency. Last evaluated: 2026-01-20. Review status: criteria provided, single submitter. Criteria: Invitae Variant Classification Sherloc (09022015). Collection method: clinical testing. Allele origin: germline.

Blueprint Genetics
Classification: Likely benign. Last evaluated: 2024-09-16. Review status: criteria provided, single submitter. Criteria: ACMG Guidelines, 2015. Collection method: clinical testing. Allele origin: germline.

GeneDx
Classification: Benign. Last evaluated: 2014-02-26. Review status: criteria provided, single submitter. Criteria: GeneDx Variant Classification (06012015). Collection method: clinical testing. Allele origin: germline. Affected: yes.
Comment: This variant is considered likely benign or benign based on one or more of the following criteria: it is a conservative change, it occurs at a poorly conserved position in the protein, it is predicted to be benign by multiple in silico algorithms, and/or has population frequency not consistent with disease.

NM_203447.4(DOCK8):c.2778+20G>A

Gene: DOCK8 (dedicator of cytokinesis 8; plus strand). Cytogenetic location: 9p24.3.
Variant type: single nucleotide variant.
Coding change: c.2778+20G>A on transcript NM_203447.4 (MANE Select); 20 bases into the intron after coding-DNA position 2778, G replaced by A.
Molecular consequence: intron variant.
Genome position (GRCh38, 1-based): chr9:382,705, G>A. VCF-style: chr9-382705-G-A. GRCh37 (hg19) VCF-style: chr9-382705-G-A.
Other names: c.2574+20G>A (NM_001193536.2, NM_001190458.2).
Identifiers: ClinVar variation 137140 (VCV000137140.11), dbSNP rs587780923, ClinGen allele CA290668.